The following is an entry in ClinVar:

NM_001814.6(CTSC):c.407del (p.Cys136fs)

Gene: CTSC (cathepsin C; minus strand). Cytogenetic location: 11q14.2.
Variant type: Deletion.
Coding change: c.407del on transcript NM_001814.6 (MANE Select); coding-DNA position 407, one base deleted (G; older notation c.407delG).
Protein change: p.Cys136fs; shifts the reading frame from cysteine 136.
Molecular consequence: frameshift variant.
Genome position (GRCh38, 1-based): chr11:88,312,466, C deleted on the plus strand (G on the coding strand, the reverse complement: CTSC is on the minus strand). VCF-style (leftmost placement, unchanged base first): chr11-88312465-AC-A. GRCh37 (hg19) VCF-style: chr11-88045633-AC-A.
Other names: short protein forms C136fs.
Identifiers: ClinVar variation 2936714 (VCV002936714.3), dbSNP rs2496562015, ClinGen allele CA2740093165.

ClinVar aggregate classification (germline): Pathogenic (1 of 4 stars; one submission).

Conditions:
Periodontitis, aggressive. Identifiers: MedGen C0031106, MONDO:0980757.
Papillon-Lefèvre syndrome (PALS). Also called: KERATOSIS PALMOPLANTARIS WITH PERIODONTOPATHIA; Papillon-Lefevre Disease. Identifiers: Orphanet 678, MedGen C0030360, MONDO:0009490, OMIM 245000.
Haim-Munk syndrome (HMS). Also called: COCHIN JEWISH DISORDER; KERATOSIS PALMOPLANTARIS WITH PERIODONTOPATHIA AND ONYCHOGRYPOSIS. Identifiers: Orphanet 2342, MedGen C1855627, MONDO:0009491, OMIM 245010.

Submission:

Labcorp Genetics (formerly Invitae), Labcorp
Classification: Pathogenic for Haim-Munk syndrome; Periodontitis, aggressive; Papillon-Lefèvre syndrome. Last evaluated: 2023-07-25. Review status: criteria provided, single submitter. Criteria: Invitae Variant Classification Sherloc (09022015). Collection method: clinical testing. Allele origin: germline.
Comment: This variant has not been reported in the literature in individuals affected with CTSC-related conditions. For these reasons, this variant has been classified as Pathogenic. This sequence change creates a premature translational stop signal (p.Cys136Phefs*40) in the CTSC gene. It is expected to result in an absent or disrupted protein product. Loss-of-function variants in CTSC are known to be pathogenic (PMID: 10662808, 11106356, 11886537). This variant is not present in population databases (gnomAD no frequency).

Literature cited by the submitters: PubMed 10662808; PubMed 11106356; PubMed 11886537.